The following is an entry in ClinVar:

NM_006033.4(LIPG):c.1451G>A (p.Arg484Gln)

Gene: LIPG (lipase G, endothelial type; plus strand). Cytogenetic location: 18q21.1.
Variant type: single nucleotide variant.
Coding change: c.1451G>A on transcript NM_006033.4 (MANE Select); coding-DNA position 1451, G replaced by A.
Protein change: p.Arg484Gln; replaces arginine 484 with glutamine.
Molecular consequence: missense variant.
Genome position (GRCh38, 1-based): chr18:49,586,820, G>A. VCF-style: chr18-49586820-G-A. GRCh37 (hg19) VCF-style: chr18-47113190-G-A.
Other names: c.1451G>A (NM_006033.2); c.1229G>A, p.Arg410Gln (NM_001308006.2); short protein forms R410Q, R484Q.
Identifiers: ClinVar variation 2971377 (VCV002971377.4), dbSNP rs756501637, ClinGen allele CA8959404.

ClinVar aggregate classification (germline): Uncertain significance. Review status: criteria provided, multiple submitters, no conflicts (2 of 4 stars). 2 submissions from 2 submitters: Uncertain significance (2). Last evaluated 2025-07-21.

Allele frequency attached by ClinVar (database versions not stated): gnomAD 0.00001; ExAC 0.00014; gnomAD exomes 0.00002; TOPMed 0.00002.
gnomAD v4.1: 38 of 1,614,032 alleles (0.0024%); highest among the groups gnomAD compares: Admixed American, 0.015%; no homozygotes.

Submissions (2):

Labcorp Genetics (formerly Invitae), Labcorp
Classification: Uncertain significance. Last evaluated: 2025-07-21. Review status: criteria provided, single submitter. Criteria: Invitae Variant Classification Sherloc (09022015). Collection method: clinical testing. Allele origin: germline.
Comment: This sequence change replaces arginine, which is basic and polar, with glutamine, which is neutral and polar, at codon 484 of the LIPG protein (p.Arg484Gln). This variant is present in population databases (rs756501637, gnomAD 0.02%). This variant has not been reported in the literature in individuals affected with LIPG-related conditions. ClinVar contains an entry for this variant (Variation ID: 2971377). An algorithm developed to predict the effect of missense changes on protein structure and function outputs the following: PolyPhen-2: "Benign". The glutamine amino acid residue is found in multiple mammalian species, which suggests that this missense change does not adversely affect protein function. In summary, the available evidence is currently insufficient to determine the role of this variant in disease. Therefore, it has been classified as a Variant of Uncertain Significance.

Ambry Genetics
Classification: Uncertain significance. Last evaluated: 2024-05-16. Review status: criteria provided, single submitter. Criteria: Ambry Variant Classification Scheme 2023. Collection method: clinical testing. Allele origin: germline.